The following is an entry in ClinVar:

ClinVar aggregate classification (germline): Conflicting classifications of pathogenicity. Review status: criteria provided, conflicting classifications (1 of 4 stars). 2 submissions from 2 submitters: Uncertain significance (1); Likely benign (1). Last evaluated 2025-07-03.

Conditions:
Cardiovascular phenotype. Identifiers: MedGen CN230736.

Allele frequency attached by ClinVar (database versions not stated): ExAC 0.00006; gnomAD 0.00001; gnomAD exomes 0.00002.
gnomAD v4.1: 28 of 1,613,990 alleles (0.0017%); highest among the groups gnomAD compares: Admixed American, 0.032%; no homozygotes.

Submissions (2):

Labcorp Genetics (formerly Invitae), Labcorp
Classification: Uncertain significance. Last evaluated: 2025-07-03. Review status: criteria provided, single submitter. Criteria: Invitae Variant Classification Sherloc (09022015). Collection method: clinical testing. Allele origin: germline.
Comment: This sequence change replaces proline, which is neutral and non-polar, with leucine, which is neutral and non-polar, at codon 1006 of the ALPK3 protein (p.Pro1006Leu). This variant is present in population databases (rs762398286, gnomAD 0.05%). This variant has not been reported in the literature in individuals affected with ALPK3-related conditions. ClinVar contains an entry for this variant (Variation ID: 2380702). Invitae Evidence Modeling of protein sequence and biophysical properties (such as structural, functional, and spatial information, amino acid conservation, physicochemical variation, residue mobility, and thermodynamic stability) indicates that this missense variant is not expected to disrupt ALPK3 protein function with a negative predictive value of 80%. In summary, the available evidence is currently insufficient to determine the role of this variant in disease. Therefore, it has been classified as a Variant of Uncertain Significance.

Ambry Genetics
Classification: Likely benign for Cardiovascular phenotype. Last evaluated: 2024-07-17. Review status: criteria provided, single submitter. Criteria: Ambry Variant Classification Scheme 2023. Collection method: clinical testing. Allele origin: germline.

NM_020778.5(ALPK3):c.2411C>T (p.Pro804Leu)

Gene: ALPK3 (alpha kinase 3; plus strand). Cytogenetic location: 15q25.3.
Variant type: single nucleotide variant.
Coding change: c.2411C>T on transcript NM_020778.5 (MANE Select); coding-DNA position 2411, C replaced by T.
Protein change: p.Pro804Leu; replaces proline 804 with leucine.
Molecular consequence: missense variant.
Genome position (GRCh38, 1-based): chr15:84,857,149, C>T. VCF-style: chr15-84857149-C-T. GRCh37 (hg19) VCF-style: chr15-85400380-C-T.
Other names: short protein forms P804L.
Identifiers: ClinVar variation 2380702 (VCV002380702.6), dbSNP rs762398286, ClinGen allele CA7709405.